The following is an entry in ClinVar:

ClinVar aggregate classification (germline): Uncertain significance (1 of 4 stars; one submission).

Conditions:
Congenital myasthenic syndrome 8. Also called: MYASTHENIC SYNDROME, CONGENITAL, DUE TO AGRIN DEFICIENCY; Myasthenic syndrome, congenital, 8, with pre- and postsynaptic defects. Identifiers: Orphanet 590, MedGen C3808739, MONDO:0014052, OMIM 615120.

Allele frequency attached by ClinVar (database versions not stated): ExAC 0.00006; gnomAD 0.00002.
gnomAD v4.1: 34 of 1,611,302 alleles (0.0021%); highest among the groups gnomAD compares: African/African-American, 0.004%; no homozygotes.

Submission:

Labcorp Genetics (formerly Invitae), Labcorp
Classification: Uncertain significance for Congenital myasthenic syndrome 8. Last evaluated: 2021-08-31. Review status: criteria provided, single submitter. Criteria: Invitae Variant Classification Sherloc (09022015). Collection method: clinical testing. Allele origin: germline.
Comment: This sequence change replaces proline with leucine at codon 1850 of the AGRN protein (p.Pro1850Leu). The proline residue is weakly conserved and there is a moderate physicochemical difference between proline and leucine. This variant is present in population databases (rs374138541, ExAC 0.01%). This variant has not been reported in the literature in individuals affected with AGRN-related conditions. Algorithms developed to predict the effect of missense changes on protein structure and function output the following: SIFT: "Tolerated"; PolyPhen-2: "Benign"; Align-GVGD: "Class C0". The leucine amino acid residue is found in multiple mammalian species, which suggests that this missense change does not adversely affect protein function. In summary, the available evidence is currently insufficient to determine the role of this variant in disease. Therefore, it has been classified as a Variant of Uncertain Significance.

NM_198576.4(AGRN):c.5549C>T (p.Pro1850Leu)

Gene: AGRN (agrin; plus strand). Cytogenetic location: 1p36.33.
Variant type: single nucleotide variant.
Coding change: c.5549C>T on transcript NM_198576.4 (MANE Select); coding-DNA position 5549, C replaced by T.
Protein change: p.Pro1850Leu; replaces proline 1850 with leucine.
Molecular consequence: missense variant.
Genome position (GRCh38, 1-based): chr1:1,051,631, C>T. VCF-style: chr1-1051631-C-T. GRCh37 (hg19) VCF-style: chr1-987011-C-T.
Other names: c.5561C>T, p.Pro1854Leu (NM_001305275.2); c.5246C>T, p.Pro1749Leu (NM_001364727.2); short protein forms P1850L, P1854L, P1749L.
Identifiers: ClinVar variation 1504547 (VCV001504547.5), dbSNP rs374138541, ClinGen allele CA510063.
Genomic context (GRCh38, chr1:1,051,631, plus strand): 5'-CCTCCTGCGTCCCGAGGGAGGCTGCCTATGTGTGCCTGTGTCCCGGGGGATTCTCAGGAC[C>T]GCACTGCGAGAAGGGTGAGCCTGGCACAGGGCAGGGGGCGGAGGCCGGATGGGCCCGGAG-3'
Protein context (NP_940978.2, residues 1840-1860): VCLCPGGFSG[Pro1850Leu]HCEKGLVEKS